The following is an entry in ClinVar:

NM_001365536.1(SCN9A):c.5762A>T (p.Asp1921Val)

Genes: SCN9A (sodium voltage-gated channel alpha subunit 9; minus strand), SCN1A-AS1 (SCN1A and SCN9A antisense RNA 1; plus strand). Cytogenetic location: 2q24.3.
Variant type: single nucleotide variant.
Coding change: c.5762A>T on transcript NM_001365536.1 (MANE Select); coding-DNA position 5762, A replaced by T.
Protein change: p.Asp1921Val; replaces aspartic acid 1921 with valine.
Molecular consequence: missense variant.
Genome position (GRCh38, 1-based): chr2:166,198,877, T>A on the plus strand (A>T on the coding strand, the complement: SCN9A is on the minus strand). VCF-style: chr2-166198877-T-A. GRCh37 (hg19) VCF-style: chr2-167055387-T-A.
Other names: c.5729A>T, p.Asp1910Val (NM_002977.4); short protein forms D1921V, D1910V.
Identifiers: ClinVar variation 837315 (VCV000837315.9), dbSNP rs910761183, ClinGen allele CA349051558.

ClinVar aggregate classification (germline): Uncertain significance (1 of 4 stars; one submission).

Conditions:
Neuropathy, hereditary sensory and autonomic, type 2A (HSAN2A). Also called: HSAN IIA; MORVAN DISEASE; NEUROPATHY, CONGENITAL SENSORY; NEUROPATHY, HEREDITARY SENSORY RADICULAR, AUTOSOMAL RECESSIVE; NEUROPATHY, HEREDITARY SENSORY, TYPE IIA; NEUROPATHY, PROGRESSIVE SENSORY, OF CHILDREN. Identifiers: Orphanet 970, MedGen C2752089, MONDO:0024309, OMIM 201300.
Generalized epilepsy with febrile seizures plus, type 7 (GEFSP7). Also called: GEFS+, TYPE 7. Identifiers: Orphanet 36387, MedGen C2751778, MONDO:0013470, OMIM 613863.

Allele frequency attached by ClinVar (database versions not stated): gnomAD 0.00001; TOPMed 0.00001.
gnomAD v4.1: 14 of 1,613,690 alleles (0.00087%); highest among the groups gnomAD compares: African/African-American, 0.0013%; no homozygotes.

Submission:

Labcorp Genetics (formerly Invitae), Labcorp
Classification: Uncertain significance for Neuropathy, hereditary sensory and autonomic, type 2A; Generalized epilepsy with febrile seizures plus, type 7. Last evaluated: 2024-02-16. Review status: criteria provided, single submitter. Criteria: Invitae Variant Classification Sherloc (09022015). Collection method: clinical testing. Allele origin: germline.
Comment: This sequence change replaces aspartic acid, which is acidic and polar, with valine, which is neutral and non-polar, at codon 1910 of the SCN9A protein (p.Asp1910Val). This variant is not present in population databases (gnomAD no frequency). This variant has not been reported in the literature in individuals affected with SCN9A-related conditions. ClinVar contains an entry for this variant (Variation ID: 837315). Advanced modeling of protein sequence and biophysical properties (such as structural, functional, and spatial information, amino acid conservation, physicochemical variation, residue mobility, and thermodynamic stability) has been performed at Invitae for this missense variant, however the output from this modeling did not meet the statistical confidence thresholds required to predict the impact of this variant on SCN9A protein function. In summary, the available evidence is currently insufficient to determine the role of this variant in disease. Therefore, it has been classified as a Variant of Uncertain Significance.